The following is an entry in ClinVar:

ClinVar aggregate classification (germline): Uncertain significance (1 of 4 stars; one submission).

Conditions:
Periodontitis, aggressive. Identifiers: MedGen C0031106, MONDO:0980757.
Haim-Munk syndrome (HMS). Also called: COCHIN JEWISH DISORDER; KERATOSIS PALMOPLANTARIS WITH PERIODONTOPATHIA AND ONYCHOGRYPOSIS. Identifiers: Orphanet 2342, MedGen C1855627, MONDO:0009491, OMIM 245010.
Papillon-Lefèvre syndrome (PALS). Also called: Papillon-Lefevre Disease; KERATOSIS PALMOPLANTARIS WITH PERIODONTOPATHIA. Identifiers: Orphanet 678, MedGen C0030360, MONDO:0009490, OMIM 245000.

gnomAD v4.1: 2 of 1,581,384 alleles (0.00013%); highest among the groups gnomAD compares: African/African-American, 0.0027%; no homozygotes.

Submission:

Labcorp Genetics (formerly Invitae), Labcorp
Classification: Uncertain significance for Haim-Munk syndrome; Periodontitis, aggressive; Papillon-Lefèvre syndrome. Last evaluated: 2025-04-21. Review status: criteria provided, single submitter. Criteria: Invitae Variant Classification Sherloc (09022015). Collection method: clinical testing. Allele origin: germline.
Comment: This sequence change replaces alanine, which is neutral and non-polar, with valine, which is neutral and non-polar, at codon 21 of the CTSC protein (p.Ala21Val). The frequency data for this variant in the population databases is considered unreliable, as metrics indicate poor data quality at this position in the gnomAD database. This variant has not been reported in the literature in individuals affected with CTSC-related conditions. An algorithm developed to predict the effect of missense changes on protein structure and function (PolyPhen-2) suggests that this variant is likely to be tolerated. In summary, the available evidence is currently insufficient to determine the role of this variant in disease. Therefore, it has been classified as a Variant of Uncertain Significance.

NM_001814.6(CTSC):c.62C>T (p.Ala21Val)

Genes: CTSC (cathepsin C; minus strand), LOC130006572 (ATAC-STARR-seq lymphoblastoid active region 5382; plus strand). Cytogenetic location: 11q14.2.
Variant type: single nucleotide variant.
Coding change: c.62C>T on transcript NM_001814.6 (MANE Select); coding-DNA position 62, C replaced by T.
Protein change: p.Ala21Val; replaces alanine 21 with valine.
Molecular consequence: missense variant.
Genome position (GRCh38, 1-based): chr11:88,337,611, G>A on the plus strand (C>T on the coding strand, the complement: CTSC is on the minus strand). VCF-style: chr11-88337611-G-A. GRCh37 (hg19) VCF-style: chr11-88070779-G-A.
Other names: c.62C>T, p.Ala21Val (NM_001114173.3, NM_148170.5); short protein forms A21V.
Identifiers: ClinVar variation 4794772 (VCV004794772.1).